The following is an entry in ClinVar:

ClinVar aggregate classification (germline): Likely pathogenic (1 of 4 stars; one submission).

Conditions:
Autosomal dominant nonsyndromic hearing loss 15 (DFNA15). Also called: DEAFNESS, AUTOSOMAL DOMINANT 52; Autosomal dominant nonsyndromic hearing loss 52. Identifiers: Orphanet 90635, MedGen C1865366, MONDO:0011226, OMIM 602459.

gnomAD v4.1: 1 of 1,614,062 alleles (0.000062%); no homozygotes.

Submission:

Juno Genomics, Hangzhou Juno Genomics, Inc
Classification: Likely pathogenic for Autosomal dominant nonsyndromic hearing loss 15. Review status: criteria provided, single submitter. Criteria: ACMG Guidelines, 2015. Collection method: clinical testing. Allele origin: germline. Affected: yes.
Comment: Absent from controls (or at extremely low frequency if recessive) in Genome Aggregation Database.;Multiple lines of computational evidence support a deleterious effect on the gene or gene product.;The prevalence of the variant in affected individuals is significantly increased compared to the prevalence in controls.;Located in a mutational hot spot and/or critical and well-established functional domain without benign variation.;Patient's phenotype or family history is highly specific for a disease with a single genetic etiology.

NM_002700.3(POU4F3):c.665C>T (p.Ser222Leu)

Genes: POU4F3 (POU class 4 homeobox 3; plus strand), RBM27-POU4F3 (RBM27-POU4F3 readthrough; plus strand). Cytogenetic location: 5q32.
Variant type: single nucleotide variant.
Coding change: c.665C>T on transcript NM_002700.3 (MANE Select); coding-DNA position 665, C replaced by T.
Protein change: p.Ser222Leu; replaces serine 222 with leucine.
Molecular consequence: missense variant. On other transcripts: 3 prime UTR variant (1).
Genome position (GRCh38, 1-based): chr5:146,340,092, C>T. VCF-style: chr5-146340092-C-T. GRCh37 (hg19) VCF-style: chr5-145719655-C-T.
Other names: c.*534C>T (NM_001414499.1); short protein forms S222L.
Identifiers: ClinVar variation 5018614 (VCV005018614.1).